The following is an entry in ClinVar:

NM_014994.3(MAPKBP1):c.1013A>G (p.Tyr338Cys)

Gene: MAPKBP1 (mitogen-activated protein kinase binding protein 1; plus strand). Cytogenetic location: 15q15.1.
Variant type: single nucleotide variant.
Coding change: c.1013A>G on transcript NM_014994.3 (MANE Select); coding-DNA position 1013, A replaced by G.
Protein change: p.Tyr338Cys; replaces tyrosine 338 with cysteine.
Molecular consequence: missense variant. On other transcripts: non-coding transcript variant (1).
Genome position (GRCh38, 1-based): chr15:41,814,582, A>G. VCF-style: chr15-41814582-A-G. GRCh37 (hg19) VCF-style: chr15-42106780-A-G.
Other names: c.1031A>G, p.Tyr344Cys (NM_001128608.2); c.1013A>G, p.Tyr338Cys (NM_001265611.2); short protein forms Y338C, Y344C.
Identifiers: ClinVar variation 2443171 (VCV002443171.3), dbSNP rs145492048, ClinGen allele CA7497737.

ClinVar aggregate classification (germline): Uncertain significance. Review status: criteria provided, single submitter (1 of 4 stars). 2 submissions from 2 submitters: Uncertain significance (1). 1 of the submissions does not count toward it. Last evaluated 2024-03-04.

Conditions:
Inborn genetic diseases. Identifiers: MedGen C0950123, MeSH D030342.

Allele frequency attached by ClinVar (database versions not stated): gnomAD exomes 0.00002; ExAC 0.00013; gnomAD 0.00019; TOPMed 0.00022; 1000 Genomes Project 30x 0.00031; ESP Exome Variant Server 0.00031; 1000 Genomes Project 0.00040.
gnomAD v4.1: 59 of 1,614,092 alleles (0.0037%); highest among the groups gnomAD compares: African/African-American, 0.069%; no homozygotes.

Submissions (2):

Ambry Genetics
Classification: Uncertain significance for Inborn genetic diseases. Last evaluated: 2024-03-04. Review status: criteria provided, single submitter. Criteria: Ambry Variant Classification Scheme 2023. Collection method: clinical testing. Allele origin: germline.

Genetic Services Laboratory, University of Chicago
Classification: Uncertain significance. Last evaluated: 2022-07-20. Review status: no assertion criteria provided. Collection method: clinical testing. Allele origin: germline. Affected: no. Not counted in ClinVar's aggregate classification.
Comment: DNA sequence analysis of the MAPKBP1 gene demonstrated a sequence change, c.1031A>G, in exon 11 that results in an amino acid change, p.Tyr344Cys. This sequence change has been described in the gnomAD database with a frequency of 0.088% in the African/African-American subpopulation (dbSNP rs145492048). The p.Tyr344Cys change affects a moderately conserved amino acid residue located in a domain of the MAPKBP1 protein that is known to be functional. In-silico pathogenicity prediction tools (SIFT, PolyPhen2, Align GVGD, REVEL) provide contradictory results for the p.Tyr344Cys substitution. This sequence change does not appear to have been previously described in individuals with MAPKBP1-related disorders. Due to insufficient evidences and the lack of functional studies, the clinical significance of the p.Tyr344Cys change remains unknown at this time.